The following is an entry in ClinVar:

NM_001267550.2(TTN):c.54581G>A (p.Gly18194Asp)

Genes: TTN-AS1 (TTN antisense RNA 1; plus strand), TTN (titin; minus strand). Cytogenetic location: 2q31.2.
Variant type: single nucleotide variant.
Coding change: c.54581G>A on transcript NM_001267550.2 (MANE Select); coding-DNA position 54581, G replaced by A.
Protein change: p.Gly18194Asp; replaces glycine 18194 with aspartic acid.
Molecular consequence: missense variant.
Genome position (GRCh38, 1-based): chr2:178,604,106, C>T on the plus strand (G>A on the coding strand, the complement: TTN is on the minus strand). VCF-style: chr2-178604106-C-T. GRCh37 (hg19) VCF-style: chr2-179468833-C-T.
Other names: c.49658G>A, p.Gly16553Asp (NM_001256850.1); c.27386G>A, p.Gly9129Asp (NM_003319.4); c.46877G>A, p.Gly15626Asp (NM_133378.4); c.27761G>A, p.Gly9254Asp (NM_133432.3); c.27962G>A, p.Gly9321Asp (NM_133437.4); short protein forms G15626D, G18194D, G9254D, G9321D, G16553D, G9129D.
Identifiers: ClinVar variation 191945 (VCV000191945.10), dbSNP rs201802447, ClinGen allele CA237930.

ClinVar aggregate classification (germline): Conflicting classifications of pathogenicity. Review status: criteria provided, conflicting classifications (1 of 4 stars). 8 submissions from 8 submitters: Uncertain significance (6); Likely benign (2). Last evaluated 2025-12-21.

Conditions:
TTN-related disorder. Also called: TTN-related condition; TTN-related disease; TTN-related disorders.
Dilated cardiomyopathy 1G (CMD1G). Identifiers: Orphanet 154, MedGen C1858763, MONDO:0011400, OMIM 604145.
Autosomal recessive limb-girdle muscular dystrophy type 2J (LGMDR10). Also called: Limb-girdle muscular dystrophy, type 2J; MUSCULAR DYSTROPHY, LIMB-GIRDLE, AUTOSOMAL RECESSIVE 10. Identifiers: Orphanet 140922, MedGen C1837342, MONDO:0012127, OMIM 608807.
Tibial muscular dystrophy (TMD). Also called: Udd Distal Myopathy – Tibial Muscular Dystrophy; UDD MYOPATHY; Tibial muscular dystrophy, tardive. Identifiers: Orphanet 609, MedGen C1838244, MONDO:0010870, OMIM 600334.
Myopathy, myofibrillar, 9, with early respiratory failure (MFM9). Also called: Hereditary myopathy with early respiratory failure; EDSTROM MYOPATHY; MYOPATHY, PROXIMAL, WITH EARLY RESPIRATORY MUSCLE INVOLVEMENT; Myopathy, distal, with early respiratory failure, autosomal dominant. Identifiers: Orphanet 178464, Orphanet 34521, MedGen C1863599, MONDO:0011362, OMIM 603689.
Hypertrophic cardiomyopathy 9. Also called: Familial hypertrophic cardiomyopathy 9. Identifiers: MedGen C1861065, MONDO:0013412, OMIM 613765.
Early-onset myopathy with fatal cardiomyopathy (CMYO5). Also called: CONGENITAL MYOPATHY 5 WITH CARDIOMYOPATHY; Salih Myopathy. Identifiers: Orphanet 289377, MedGen C2673677, MONDO:0012714, OMIM 611705. Disease mechanism: loss of function.

Allele frequency attached by ClinVar (database versions not stated): gnomAD 0.00005; TOPMed 0.00005; ExAC 0.00006; gnomAD exomes 0.00007 and 0.00008; ESP Exome Variant Server 0.00017.
gnomAD v4.1: 118 of 1,612,494 alleles (0.0073%); highest among the groups gnomAD compares: Middle Eastern, 0.016%; no homozygotes.

Submissions (8):

PreventionGenetics, part of Exact Sciences
Classification: Uncertain significance for TTN-related condition. Last evaluated: 2025-12-21. Review status: criteria provided, single submitter. Criteria: ACMG Guidelines, 2015. Collection method: clinical testing. Allele origin: germline.
Comment: The TTN c.54581G>A variant is predicted to result in the amino acid substitution p.Gly18194Asp. This variant has been reported as a variant of uncertain significance in individuals with hypertrophic or dilated cardiomyopathy (Table S14, Thomson et al. 2019. PubMed ID: 30531895; described as p.Gly15626Asp, Pérez-Serra et al. 2024. PubMed ID: 38612618). This variant is reported in 0.015% of alleles in individuals of European (Non-Finnish) descent in gnomAD. At this time, the clinical significance of this variant is uncertain due to the absence of conclusive functional and genetic evidence.

Women's Health and Genetics/Laboratory Corporation of America, LabCorp
Classification: Uncertain significance. Last evaluated: 2025-07-18. Review status: criteria provided, single submitter. Criteria: LabCorp Variant Classification Summary - May 2015. Collection method: clinical testing. Allele origin: germline.
Comment: Variant summary: TTN c.46877G>A (p.Gly15626Asp) results in a non-conservative amino acid change in the encoded protein sequence. Algorithms developed to predict the effect of missense changes on protein structure and function are either unavailable or do not agree on the potential impact of this missense change. The variant allele was found at a frequency of 7.3e-05 in 247974 control chromosomes. This frequency is not significantly higher than estimated for a pathogenic variant in TTN causing Dilated Cardiomyopathy (7.3e-05 vs 0.00039), allowing no conclusion about variant significance. c.46877G>A has been observed in an individual affected with Dilated Cardiomyopathy (Perez-Serra_2024). This report does not provide unequivocal conclusions about association of the variant with Dilated Cardiomyopathy. To our knowledge, no experimental evidence demonstrating an impact on protein function has been reported. The following publications have been ascertained in the context of this evaluation (PMID: 38612618, 30531895). ClinVar contains an entry for this variant (Variation ID: 191945). Based on the evidence outlined above, the variant was classified as uncertain significance.

Molecular Diagnostic Laboratory for Inherited Cardiovascular Disease, Montreal Heart Institute
Classification: Likely benign. Last evaluated: 2025-04-09. Review status: criteria provided, single submitter. Criteria: ACMG Guidelines, 2015. Collection method: clinical testing. Allele origin: germline. Affected: no.

Revvity Omics, Revvity
Classification: Uncertain significance. Last evaluated: 2024-10-23. Review status: criteria provided, single submitter. Criteria: ACMG Guidelines, 2015. Collection method: clinical testing. Allele origin: germline.

Blueprint Genetics
Classification: Likely benign. Last evaluated: 2024-10-14. Review status: criteria provided, single submitter. Criteria: ACMG Guidelines, 2015. Collection method: clinical testing. Allele origin: germline.

Fulgent Genetics
Classification: Uncertain significance for Tibial muscular dystrophy; Myopathy, myofibrillar, 9, with early respiratory failure; Dilated cardiomyopathy 1G; Autosomal recessive limb-girdle muscular dystrophy type 2J; Early-onset myopathy with fatal cardiomyopathy; Hypertrophic cardiomyopathy 9. Last evaluated: 2021-10-17. Review status: criteria provided, single submitter. Criteria: ACMG Guidelines, 2015. Collection method: clinical testing. Allele origin: unknown.

Labcorp Genetics (formerly Invitae), Labcorp
Classification: Uncertain significance for Dilated cardiomyopathy 1G; Autosomal recessive limb-girdle muscular dystrophy type 2J. Last evaluated: 2017-12-08. Review status: criteria provided, single submitter. Criteria: Invitae Variant Classification Sherloc (09022015). Collection method: clinical testing. Allele origin: germline.

Biesecker Lab/Clinical Genomics Section, National Institutes of Health
Classification: Uncertain significance. Last evaluated: 2013-06-24. Review status: criteria provided, single submitter. Criteria: Ng et al. (Circ Cardiovasc Genet. 2013). Collection method: research. Allele origin: unknown. Observed: 1 variant allele. Study: ClinSeq.
Comment: The study set was not selected for affection status in relation to any cancer. Pathogenicity categories were based on literature curation. See Pubmed ID:23861362 for details.

Medical sequencing

Literature cited by the submitters: PubMed 30531895 (cited by Women's Health and Genetics/Laboratory Corporation of America, LabCorp); PubMed 38612618 (cited by Women's Health and Genetics/Laboratory Corporation of America, LabCorp).